The following is an entry in ClinVar:

ClinVar aggregate classification (germline): Pathogenic. Review status: reviewed by expert panel (3 of 4 stars). 9 submissions from 9 submitters: Pathogenic (1). 8 of the submissions do not count toward it. Last evaluated 2022-04-14.

Conditions:
HNF1A-related disorder. Also called: HNF1A-related condition.
Monogenic diabetes. Identifiers: Orphanet 183625, MedGen C3888631, MONDO:0015967.
Maturity-onset diabetes of the young (MODY). Also called: Maturity onset diabetes mellitus in young. Identifiers: Orphanet 552, MedGen C0342276, MONDO:0018911, HP:0004904.

Allele frequency attached by ClinVar (database versions not stated): gnomAD exomes below 0.00001; TOPMed below 0.00001.
gnomAD v4.1: 1 of 1,613,446 alleles (0.000062%); highest among the groups gnomAD compares: African/African-American, 0.0013%; no homozygotes.

Submissions 1 to 4 of 9:

ClinGen Monogenic Diabetes Variant Curation Expert Panel
Classification: Pathogenic for Monogenic diabetes. Last evaluated: 2022-04-14. Review status: reviewed by expert panel. Criteria: ClinGen Diabetes ACMG Specifications v1 1. Collection method: curation. Allele origin: germline. Inheritance: Autosomal dominant inheritance.
Comment: The c.811C>T variant in the HNF1 homeobox A gene, HNF1A, causes an amino acid change of arginine to tryptophan at codon 271 (p.(Arg271Trp) of transcript, e.g. NM_000545.8. This variant was identified in over 26 unrelated individuals with non- autoimmune and non-absolute/near-absolute insulin-deficient diabetes (PS4; internal lab contributors). Additionally, this variant segregated with diabetes, with at least four informative meioses in multiple families with MODY (PP1_Strong; internal lab contributors). Functional studies demonstrated the p.Arg271Trp protein has transactivation below 40% of wildtype, indicating that this variant impacts protein function (PMID: 21170474) (PS3_Supporting). This variant resides in an amino acid within the HNF1α DNA binding domain that directly binds DNA, which is defined as critical for the protein’s function by the ClinGen MDEP (PM1). Another missense variant, c. 812G>A (p.Arg271Gln), has been interpreted as pathogenic by the ClinGen MDEP and p. Arg271Trp has a greater Grantham distance (PM5). The variant was identified in at least 8 individuals with a clinical history highly specific for HNF1A-MODY (MODY probability calculator result >50%, negative genetic testing for HNF4A, and autoantibody negative) (PP4_Moderate). This variant failed QC in gnomAD v2.1.1. The variant was absent other than two heterozygotes filtered out due to poor quality which even if real would place the frequency below the ClinGen MDEP cutoff for PM2_Supporting (PM2_Supporting). Lastly, this variant is predicted to be deleterious by computational evidence, with a REVEL score of 0.93, which is greater than the MDEP VCEP threshold of 0.70 (PP3) and is absent from gnomAD v2.1.1 (PM2_Supporting). In summary, c.814C>A meets the criteria to be classified as pathogenic for monogenic diabetes. ACMG/AMP criteria applied, as specified by the ClinGen MDEP (specification version 1.1, approved 9/30/2021): PS4, PP1_Strong, PS3_Supporting, PM1, PM5, PP4_Moderate, PP3, PM2_Supporting.

Labcorp Genetics (formerly Invitae), Labcorp
Classification: Pathogenic. Last evaluated: 2025-06-27. Review status: criteria provided, single submitter. Criteria: Invitae Variant Classification Sherloc (09022015). Collection method: clinical testing. Allele origin: germline. Not counted in ClinVar's aggregate classification.
Comment: This sequence change replaces arginine, which is basic and polar, with tryptophan, which is neutral and slightly polar, at codon 271 of the HNF1A protein (p.Arg271Trp). This variant is not present in population databases (gnomAD no frequency). This missense change has been observed in individuals with clinical features of HNF1A-related conditions and/or clinical features of HNF1A-related disorders (PMID: 9754819, 12488961, 12574234, 15928245, 16249556, 16562587, 21170474, 31264968). Invitae Evidence Modeling of clinical and family history, age, sex, and reported ancestry of multiple individuals with this HNF1A variant has been performed. This variant is expected to be pathogenic with a positive predictive value of at least 99%. This is a validated machine learning model that incorporates the clinical features of 42,750 individuals referred to our laboratory for HNF1A testing. ClinVar contains an entry for this variant (Variation ID: 265193). Invitae Evidence Modeling of protein sequence and biophysical properties (such as structural, functional, and spatial information, amino acid conservation, physicochemical variation, residue mobility, and thermodynamic stability) has been performed for this missense variant. However, the output from this modeling did not meet the statistical confidence thresholds required to predict the impact of this variant on HNF1A protein function. Experimental studies have shown that this missense change affects HNF1A function (PMID: 12488961, 12574234, 21170474). For these reasons, this variant has been classified as Pathogenic.

ARUP Laboratories, Molecular Genetics and Genomics, ARUP Laboratories
Classification: Pathogenic. Last evaluated: 2025-05-01. Review status: criteria provided, single submitter. Criteria: ARUP Molecular Germline Variant Investigation Process 2024. Collection method: clinical testing. Allele origin: germline. Not counted in ClinVar's aggregate classification.
Comment: The HNF1A c.811C>T; p.Arg271Trp variant (rs886039386, ClinVar Variation ID: 265193) is reported in the literature in multiple individuals affected with or with clinical suspicion of maturity-onset diabetes of the young (MODY; Colclough 2022, Cromer 2022, Kagami-Takasugi 2006, Mirshahi 2022, Tonooka 2002, Yu 2019), including a de novo occurrence in one individual, paternity confirmed (Chevre 1998, Malecki 2005). The variant also co-segregated with diabetes with at least four informative meioses in one family (Abreu 2022). This variant is absent from the Genome Aggregation Database (v2.1.1), indicating it is not a common polymorphism, but is considered a low confidence variant in the database. Additionally, another variant at this codon, c.812G>A; p.Arg271Gln, is reported in multiple individuals affected with or with clinical suspicion of MODY and is considered pathogenic (Balamurugan 2016, Bitterman 2016, Breidbart 2021, Goodrich 2021, Marchand 2021, Mirshahi 2022, Tonooka 2002). The arginine at residue 271 directly binds to DNA in a domain critical to protein function. Computational analyses predict that the p.Arg271Trp variant is deleterious (REVEL: 0.93). Functional analyses of the variant protein demonstrate transactivation below 40% of wildtype (Galan 2011). Based on available information, the p.Arg271Trp variant is considered to be pathogenic. References: Abreu GM et al. Identification of Variants Responsible for Monogenic Forms of Diabetes in Brazil. Front Endocrinol (Lausanne). 2022 May 3;13:827325. PMID: 35592779. Balamurugan K et al. Structure-function studies of HNF1A (MODY3) gene mutations in South Indian patients with monogenic diabetes. Clin Genet. 2016 Dec;90(6):486-495. PMID: 26853433. Bitterman O et al. A dizygotic twin pregnancy in a MODY 3-affected woman. Acta Diabetol. 2016 Oct;53(5):849-52. PMID: 26997508. Breidbart E et al. Frequency and characterization of mutations in genes in a large cohort of patients referred to MODY registry. J Pediatr Endocrinol Metab. 2021 Apr 13;34(5):633-638. PMID: 33852230. Chevre JC et al. Mutation screening in 18 Caucasian families suggest the existence of other MODY genes. Diabetologia. 1998 Sep;41(9):1017-23. PMID: 9754819. Colclough K et al. Syndromic Monogenic Diabetes Genes Should Be Tested in Patients With a Clinical Suspicion of Maturity-Onset Diabetes of the Young. Diabetes. 2022 Mar 1;71(3):530-537. PMID: 34789499. Cromer SJ et al. Report of Prolonged Neonatal Hypoglycemia in Three Infants of Mothers With Variants in HNF1A. AACE Clin Case Rep. 2022 Aug 8;8(5):224-230. PMID: 36189138. Galan M et al. Differential effects of HNF-1a mutations associated with familial young-onset diabetes on target gene regulation. Mol Med. 2011 Mar-Apr;17(3-4):256-65. PMID: 21170474. Goodrich JK et al. Determinants of penetrance and variable expressivity in monogenic metabolic conditions across 77,184 exomes. Nat Commun. 2021 Jun 9;12(1):3505. PMID: 34108472. Kagami-Takasugi M et al. Molecular genetic analysis of MODY candidate genes in Japanese patients with non-obese juvenile onset diabetes mellitus. J Pediatr Endocrinol Metab. 2006 Feb;19(2):143-8. Malecki MT et al. Renal malformations may be linked to mutations in the hepatocyte nuclear factor-1alpha (MODY3) gene. Diabetes Care. 2005 Nov;28(11):2774-6. PMID: 16249556. Marchand L et al. Monogenic Causes in the Type 1 Diabetes Genetics Consortium Cohort: Low Genetic Risk for Autoimmunity in Case Selection. J Clin Endocrinol Metab. 2021 May 13;106(6):1804-1810. PMID: 33538814. Mirshahi UL et al. Reduced penetrance of MODY-associated HNF1A/HNF4A variants but not GCK variants in clinically unselected cohorts. Am J Hum Genet. 2022 Nov 3;109(11):2018-2028. PMID: 36257325. Tonooka N et al. High frequency of mutations in the HNF-1alpha gene in non-obese patients with diabetes of youth in Japanese and identification of a case of digenic inheritance. Diabetologia. 2002 Dec;45(12):1709-12. PMID: 12488961. Yu MG et al. Residual ÃŸ cell function and monogenic variants in long-duration type 1 diabetes patients. J Clin Invest. 2019 Jul 2;129(8):3252-3263. PMID: 31264968.

PreventionGenetics, part of Exact Sciences
Classification: Pathogenic for HNF1A-related condition. Last evaluated: 2025-03-17. Review status: criteria provided, single submitter. Criteria: ACMG Guidelines, 2015. Collection method: clinical testing. Allele origin: germline. Not counted in ClinVar's aggregate classification.
Comment: The HNF1A c.811C>T variant is predicted to result in the amino acid substitution p.Arg271Trp. This variant has been reported in individuals presenting with maturity onset diabetes of the young (MODY). Functional studies indicate this variant impacts transcriptional activation (Kindred F693, Chevre et al. 1998. PubMed ID: 9754819; Galán et al. 2010. PubMed ID: 21170474). This variant is classified as pathogenic by an expert panel in ClinVar. This variant has not been reported in a large population database, indicating it is rare (gnomAD). This variant is interpreted as pathogenic.

NM_000545.8(HNF1A):c.811C>T (p.Arg271Trp)

Gene: HNF1A (HNF1 homeobox A; plus strand). Cytogenetic location: 12q24.31.
Variant type: single nucleotide variant.
Coding change: c.811C>T on transcript NM_000545.8 (MANE Select); coding-DNA position 811, C replaced by T.
Protein change: p.Arg271Trp; replaces arginine 271 with tryptophan.
Molecular consequence: missense variant.
Genome position (GRCh38, 1-based): chr12:120,994,261, C>T. VCF-style: chr12-120994261-C-T. GRCh37 (hg19) VCF-style: chr12-121432064-C-T.
Other names: NM_000545.6(HNF1A):c.811C>T; p.Arg271Trp; c.811C>T, p.Arg271Trp (NM_001306179.2); short protein forms R271W.
Identifiers: ClinVar variation 265193 (VCV000265193.20), dbSNP rs886039386, ClinGen allele CA10588544.